The following is an entry in ClinVar:

NM_000399.5(EGR2):c.1075C>G (p.Arg359Gly)

Gene: EGR2 (early growth response 2; minus strand). Cytogenetic location: 10q21.3.
Variant type: single nucleotide variant.
Coding change: c.1075C>G on transcript NM_000399.5 (MANE Select); coding-DNA position 1075, C replaced by G.
Protein change: p.Arg359Gly; replaces arginine 359 with glycine.
Molecular consequence: missense variant.
Genome position (GRCh38, 1-based): chr10:62,813,563, G>C on the plus strand (C>G on the coding strand, the complement: EGR2 is on the minus strand). VCF-style: chr10-62813563-G-C. GRCh37 (hg19) VCF-style: chr10-64573323-G-C.
Other names: c.1075C>G (NM_000399.3); c.1075C>G, p.Arg359Gly (NM_001136177.3, NM_001136178.2); c.925C>G, p.Arg309Gly (NM_001136179.3, NM_001321037.2); short protein forms R359G, R309G.
Identifiers: ClinVar variation 1422578 (VCV001422578.7), dbSNP rs104894161, ClinGen allele CA377027842.

ClinVar aggregate classification (germline): Conflicting classifications of pathogenicity. Review status: criteria provided, conflicting classifications (1 of 4 stars). 2 submissions from 2 submitters: Likely pathogenic (1); Uncertain significance (1). Last evaluated 2020-11-13.

Conditions:
Charcot-Marie-Tooth disease, type I (CMT1). Also called: Charcot-Marie-Tooth, Type 1; Charcot-Marie-Tooth disease type 1. Identifiers: Orphanet 65753, MedGen C0751036, MONDO:0019011.
Charcot-Marie-Tooth disease type 1D. Also called: Charcot-Marie-Tooth disease, demyelinating, type 1d; HEREDITARY MOTOR AND SENSORY NEUROPATHY 1D; HMSN ID; CHARCOT-MARIE-TOOTH NEUROPATHY, TYPE 1D. Identifiers: Orphanet 101084, MedGen C1843247, MONDO:0011890, OMIM 607678.

Submissions (2):

Labcorp Genetics (formerly Invitae), Labcorp
Classification: Uncertain significance for Charcot-Marie-Tooth disease, type I. Last evaluated: 2020-11-13. Review status: criteria provided, single submitter. Criteria: Invitae Variant Classification Sherloc (09022015). Collection method: clinical testing. Allele origin: germline.
Comment: In summary, the available evidence is currently insufficient to determine the role of this variant in disease. Therefore, it has been classified as a Variant of Uncertain Significance. This variant disrupts the p.Arg359 amino acid residue in EGR2. Other variant(s) that disrupt this residue have been determined to be pathogenic (PMID: 10371530, 11523566, 15947997). This suggests that this residue is clinically significant, and that variants that disrupt this residue are likely to be disease-causing. Algorithms developed to predict the effect of missense changes on protein structure and function are either unavailable or do not agree on the potential impact of this missense change (SIFT: "Not Available"; PolyPhen-2: "Probably Damaging"; Align-GVGD: "Not Available"). This variant has not been reported in the literature in individuals with EGR2-related conditions. This variant is not present in population databases (ExAC no frequency). This sequence change replaces arginine with glycine at codon 359 of the EGR2 protein (p.Arg359Gly). The arginine residue is highly conserved and there is a moderate physicochemical difference between arginine and glycine.

Victorian Clinical Genetics Services, Murdoch Childrens Research Institute
Classification: Likely pathogenic for Charcot-Marie-Tooth disease type 1D. Last evaluated: 2020-06-11. Review status: criteria provided, single submitter. Criteria: ACMG Guidelines, 2015. Collection method: clinical testing. Allele origin: germline. Affected: yes.
Comment: Based on the classification scheme VCGS_Germline_v1.1.1, this variant is classified as Likely Pathogenic. Following criteria are met: 0104 - Dominant Negative is a mechanism of disease for this gene. (N) 0108 - This gene is known to be associated with both recessive and dominant disease (OMIM). (N) 0200 - Variant is predicted to result in a missense amino acid change from arginine to glycine (exon 2). (N) 0251 - Variant is heterozygous. (N) 0301 - Variant is absent from gnomAD. (P) 0501 - Missense variant consistently predicted to be damaging by multiple in silico tools or highly conserved with a major amino acid change. (P) 0602 - Variant is located in a hotspot region or cluster of pathogenic variants. This residue is a putative nucleic acid binding site within the cluster domain zinc finger C2H2 type (PMID: 31852952, NCBI, PDB, Decipher). (P) 0701 - Comparable variants have very strong previous evidence for pathogenicity. A different variant in the same codon resulting in a change to tryptophan has been reported predominantly in heterozygous individuals with Dejerine-Sottas disease (ClinVar, PMID: 27159987). Autosomal dominant Charcot-Marie-Tooth disease (CMT1) and congenital hypomyelinating neuropathy have also been associated with this variant (PMID: 11523566, PMID: 22546699). A milder variant result of a change to glutamine has been reported in a de novo CMT1 patient (PMID: 16198564). (P) 0807 - Variant has not previously been reported in a clinical context. (N) 0905 - No segregation evidence has been identified for this variant. (N) 1007 - No published functional evidence has been identified for this variant. (N) 1102 - Strong phenotype match. (P) 1208 - Inheritance information for this variant is not currently available. (N) Legend: (P) - Pathogenic, (N) - Neutral, (B) - Benign

Literature cited by the submitters: PubMed 10371530 (cited by Labcorp Genetics (formerly Invitae), Labcorp); PubMed 11523566 (cited by Labcorp Genetics (formerly Invitae), Labcorp and Victorian Clinical Genetics Services, Murdoch Childrens Research Institute); PubMed 15947997 (cited by Labcorp Genetics (formerly Invitae), Labcorp); PubMed 16198564 (cited by Victorian Clinical Genetics Services, Murdoch Childrens Research Institute); PubMed 22546699 (cited by Victorian Clinical Genetics Services, Murdoch Childrens Research Institute); PubMed 27159987 (cited by Victorian Clinical Genetics Services, Murdoch Childrens Research Institute); PubMed 31852952 (cited by Victorian Clinical Genetics Services, Murdoch Childrens Research Institute).